The following is an entry in ClinVar:

NM_000127.3(EXT1):c.1886A>G (p.Tyr629Cys)

Gene: EXT1 (exostosin glycosyltransferase 1; minus strand). Cytogenetic location: 8q24.11.
Variant type: single nucleotide variant.
Coding change: c.1886A>G on transcript NM_000127.3 (MANE Select); coding-DNA position 1886, A replaced by G.
Protein change: p.Tyr629Cys; replaces tyrosine 629 with cysteine.
Molecular consequence: missense variant.
Genome position (GRCh38, 1-based): chr8:117,804,891, T>C on the plus strand (A>G on the coding strand, the complement: EXT1 is on the minus strand). VCF-style: chr8-117804891-T-C. GRCh37 (hg19) VCF-style: chr8-118817130-T-C.
Other names: short protein forms Y629C.
Identifiers: ClinVar variation 4874546 (VCV004874546.4).

ClinVar aggregate classification (germline): Uncertain significance. Review status: criteria provided, multiple submitters, no conflicts (2 of 4 stars). 2 submissions from 2 submitters: Uncertain significance (2). Last evaluated 2026-04-01.

gnomAD v4.1: 1 of 1,613,974 alleles (0.000062%); highest among the groups gnomAD compares: East Asian, 0.0022%; no homozygotes.

Submissions (2):

CeGaT Center for Human Genetics Tuebingen
Classification: Uncertain significance. Last evaluated: 2026-04-01. Review status: criteria provided, single submitter. Criteria: CeGaT Center For Human Genetics Tuebingen Variant Classification Criteria Version 2. Collection method: clinical testing. Allele origin: germline. Affected: yes. Observed: 1 variant allele.
Comment: EXT1: PM2:Supporting, PP3

Dasa
Classification: Uncertain significance. Last evaluated: 2025-08-12. Review status: criteria provided, single submitter. Criteria: DASA Assertion Criteria. Collection method: clinical testing. Allele origin: germline.
Comment: NM_000127.3(EXT1):c.1886A>G (p.Tyr629Cys) is a missense variant that results in the substitution of tyrosine with cysteine. This variant is rare in population databases. Computational prediction algorithms are consistent with a deleterious effect. The currently available literature and clinical evidence are not sufficient to establish a definitive association between this variant and the reported condition. Therefore, this variant is classified as a variant of uncertain significance.